The following is an entry in ClinVar:

NM_020401.4(NUP107):c.1735-9A>G

Gene: NUP107 (nucleoporin 107; plus strand). Cytogenetic location: 12q15.
Variant type: single nucleotide variant.
Coding change: c.1735-9A>G on transcript NM_020401.4 (MANE Select); 9 bases into the intron before coding-DNA position 1735, A replaced by G.
Molecular consequence: intron variant.
Genome position (GRCh38, 1-based): chr12:68,731,101, A>G. VCF-style: chr12-68731101-A-G. GRCh37 (hg19) VCF-style: chr12-69124881-A-G.
Other names: p.?; c.1648-9A>G (NM_001330192.2).
Identifiers: ClinVar variation 768567 (VCV000768567.12), dbSNP rs78194623, ClinGen allele CA6677925.
Genomic context (GRCh38, chr12:68,731,101, plus strand): 5'-ACATTTGAAATTTTGAAGTATACTTTTAATTTTATTATTGACATACTTTGATCTTTTTCT[A>G]TTTTTTAGCTTTTAATAAGAGAGAAACATACAAATCTTATAGCATTTTATACCTGTCATT-3'

ClinVar aggregate classification (germline): Benign/Likely benign. Review status: criteria provided, multiple submitters, no conflicts (2 of 4 stars). 4 submissions from 4 submitters: Benign (3); Likely benign (1). Last evaluated 2025-12-23.

Allele frequency attached by ClinVar (database versions not stated): gnomAD exomes 0.00209 and 0.00072; ExAC 0.00286; 1000 Genomes Project 0.00739; gnomAD 0.00880 and 0.00813; ESP Exome Variant Server 0.00738; TOPMed 0.00907; 1000 Genomes Project 30x 0.00718.
gnomAD v4.1: 2,316 of 1,544,632 alleles (0.15%); highest among the groups gnomAD compares: African/African-American, 2.7%; 30 homozygotes.

Submissions (4):

Labcorp Genetics (formerly Invitae), Labcorp
Classification: Benign. Last evaluated: 2025-12-23. Review status: criteria provided, single submitter. Criteria: Invitae Variant Classification Sherloc (09022015). Collection method: clinical testing. Allele origin: germline.

Genomic Medicine Center of Excellence, King Faisal Specialist Hospital and Research Centre
Classification: Likely benign. Last evaluated: 2025-08-18. Review status: criteria provided, single submitter. Criteria: ACMG Guidelines, 2015. Collection method: clinical testing. Allele origin: germline.

Mayo Clinic Laboratories, Mayo Clinic
Classification: Benign. Last evaluated: 2023-04-20. Review status: criteria provided, single submitter. Criteria: ACMG Guidelines, 2015. Collection method: clinical testing. Allele origin: germline. Observed: 4 variant alleles.
Comment: BS1, BS2, BP4, BP7

Breakthrough Genomics
Classification: Benign. Review status: criteria provided, single submitter. Criteria: ACMG Guidelines, 2015. Collection method: not provided. Allele origin: germline. Inheritance: Autosomal recessive inheritance. Affected: yes.